The following is an entry in ClinVar:

NM_004082.5(DCTN1):c.1816G>A (p.Val606Ile)

Gene: DCTN1 (dynactin subunit 1; minus strand). Cytogenetic location: 2p13.1.
Variant type: single nucleotide variant.
Coding change: c.1816G>A on transcript NM_004082.5 (MANE Select); coding-DNA position 1816, G replaced by A.
Protein change: p.Val606Ile; replaces valine 606 with isoleucine.
Molecular consequence: missense variant. On other transcripts: non-coding transcript variant (1).
Genome position (GRCh38, 1-based): chr2:74,368,766, C>T on the plus strand (G>A on the coding strand, the complement: DCTN1 is on the minus strand). VCF-style: chr2-74368766-C-T. GRCh37 (hg19) VCF-style: chr2-74595893-C-T.
Other names: c.1795G>A, p.Val599Ile (NM_001190837.2); c.1765G>A, p.Val589Ile (NM_001378991.1); c.1747G>A, p.Val583Ile (NM_001378992.1); c.1414G>A, p.Val472Ile (NM_023019.4, NM_001135041.3); c.1756G>A, p.Val586Ile (NM_001135040.3); c.1705G>A, p.Val569Ile (NM_001190836.2); short protein forms V569I, V472I, V606I, V586I, V599I, V583I, V589I.
Identifiers: ClinVar variation 468259 (VCV000468259.10), dbSNP rs375778151, ClinGen allele CA1722038.

ClinVar aggregate classification (germline): Uncertain significance. Review status: criteria provided, multiple submitters, no conflicts (2 of 4 stars). 2 submissions from 2 submitters: Uncertain significance (2). Last evaluated 2026-04-15.

Conditions:
DCTN1-related disorder. Also called: DCTN1-related condition.
Neuronopathy, distal hereditary motor, type 7B. Also called: HMN VIIB; LOWER MOTOR NEURON DISEASE, DYNACTIN TYPE; NEURONOPATHY, DISTAL HEREDITARY MOTOR, AUTOSOMAL DOMINANT 14; NEURONOPATHY, DISTAL HEREDITARY MOTOR, HARDING TYPE VIIB; NEUROPATHY, DISTAL HEREDITARY MOTOR, HARDING TYPE VIIB; NEUROPATHY, DISTAL HEREDITARY MOTOR, WITH VOCAL CORD PARALYSIS, HARDING TYPE VIIB. Identifiers: Orphanet 139589, MedGen C1843315, MONDO:0011879, OMIM 607641.
Perry syndrome. Also called: PARKINSONISM WITH ALVEOLAR HYPOVENTILATION AND MENTAL DEPRESSION. Identifiers: Orphanet 178509, MedGen C1868594, MONDO:0008201, OMIM 168605.
Amyotrophic lateral sclerosis type 1 (ALS1). Also called: AMYOTROPHIC LATERAL SCLEROSIS 1, FAMILIAL. Identifiers: Orphanet 803, MedGen C1862939, MONDO:0007103, OMIM 105400.

Allele frequency attached by ClinVar (database versions not stated): gnomAD 0.00001; gnomAD exomes 0.00001 and 0.00002; ExAC 0.00002; TOPMed 0.00002; ESP Exome Variant Server 0.00008.
gnomAD v4.1: 22 of 1,614,126 alleles (0.0014%); highest among the groups gnomAD compares: East Asian, 0.0067%; no homozygotes.

Submissions (2):

PreventionGenetics, part of Exact Sciences
Classification: Uncertain significance for DCTN1-related condition. Last evaluated: 2026-04-15. Review status: criteria provided, single submitter. Criteria: ACMG Guidelines, 2015. Collection method: clinical testing. Allele origin: germline.
Comment: The DCTN1 c.1816G>A variant is predicted to result in the amino acid substitution p.Val606Ile. To our knowledge, this variant has not been reported in the literature. This variant is reported in 0.012% of alleles in individuals of African descent in gnomAD. At this time, the clinical significance of this variant is uncertain due to the absence of conclusive functional and genetic evidence.

Labcorp Genetics (formerly Invitae), Labcorp
Classification: Uncertain significance for Amyotrophic lateral sclerosis type 1; Neuronopathy, distal hereditary motor, type 7B; Perry syndrome. Last evaluated: 2023-05-19. Review status: criteria provided, single submitter. Criteria: Invitae Variant Classification Sherloc (09022015). Collection method: clinical testing. Allele origin: germline.
Comment: This variant is present in population databases (rs375778151, gnomAD 0.01%). This sequence change replaces valine, which is neutral and non-polar, with isoleucine, which is neutral and non-polar, at codon 606 of the DCTN1 protein (p.Val606Ile). This variant has not been reported in the literature in individuals affected with DCTN1-related conditions. ClinVar contains an entry for this variant (Variation ID: 468259). Advanced modeling of protein sequence and biophysical properties (such as structural, functional, and spatial information, amino acid conservation, physicochemical variation, residue mobility, and thermodynamic stability) performed at Invitae indicates that this missense variant is not expected to disrupt DCTN1 protein function. In summary, the available evidence is currently insufficient to determine the role of this variant in disease. Therefore, it has been classified as a Variant of Uncertain Significance.